The following is an entry in ClinVar:

NM_006904.7(PRKDC):c.1776+13_1776+14insGAAATTTTTTTTTTTTTTTTTTTTTTTTTNNNNNNNNNNCTGACCTTGTGATCCGCCCGCCTCGGCCTCCCAAAGTGCTGGGATTACAGGCGTGAGCCACCGTGCCCAGCC

Gene: PRKDC (protein kinase, DNA-activated, catalytic subunit; minus strand). Cytogenetic location: 8q11.21.
Variant type: Microsatellite.
Coding change: c.1776+13_1776+14insGAAATTTTTTTTTTTTTTTTTTTTTTTTTNNNNNNNNNNCTGACCTTGTGATCCGCCCGCCTCGGCCTCCCAAAGTGCTGGGATTACAGGCGTGAGCCACCGTGCCCAGCC on transcript NM_006904.7 (MANE Select); bases 13 to 14 of the intron after coding-DNA position 1776, GAAATTTTTTTTTTTTTTTTTTTTTTTTTNNNNNNNNNNCTGACCTTGTGATCCGCCCGCCTCGGCCTCCCAAAGTGCTGGGATTACAGGCGTGAGCCACCGTGCCCAGCC inserted.
Molecular consequence: intron variant.
Genome position: GRCh38: chr8:47,933,007-47,933,015. GRCh37 (hg19): chr8:48,845,567-48,845,575.
Other names: c.1776+13_1776+14insGAAATTTTTTTTTTTTTTTTTTTTTTTTTNNNNNNNNNNCTGACCTTGTGATCCGCCCGCCTCGGCCTCCCAAAGTGCTGGGATTACAGGCGTGAGCCACCGTGCCCAGCC (NM_001081640.2).
Identifiers: ClinVar variation 1495400 (VCV001495400.6).

ClinVar aggregate classification (germline): Uncertain significance (1 of 4 stars; one submission).

Conditions:
Severe combined immunodeficiency due to DNA-PKcs deficiency. Also called: IMMUNODEFICIENCY 26 WITH NEUROLOGIC ABNORMALITIES; Immunodeficiency 26 with or without neurologic abnormalities. Identifiers: Orphanet 317425, MedGen C4014833, MONDO:0014423, OMIM 615966.

Submission:

Labcorp Genetics (formerly Invitae), Labcorp
Classification: Uncertain significance for Severe combined immunodeficiency due to DNA-PKcs deficiency. Last evaluated: 2021-09-14. Review status: criteria provided, single submitter. Criteria: Invitae Variant Classification Sherloc (09022015). Collection method: clinical testing. Allele origin: germline.
Comment: This variant is not present in population databases (ExAC no frequency). This variant has not been reported in the literature in individuals affected with PRKDC-related conditions. Experimental studies and prediction algorithms are not available or were not evaluated, and the effect of this variant on mRNA splicing is currently unknown. In summary, the available evidence is currently insufficient to determine the role of this variant in disease. Therefore, it has been classified as a Variant of Uncertain Significance. This sequence change falls in intron 16 of the PRKDC gene. It does not directly change the encoded amino acid sequence of the PRKDC protein.